The following is an entry in ClinVar:

NM_000303.3(PMM2):c.90C>G (p.Asp30Glu)

Gene: PMM2 (phosphomannomutase 2; plus strand). Cytogenetic location: 16p13.2.
Variant type: single nucleotide variant.
Coding change: c.90C>G on transcript NM_000303.3 (MANE Select); coding-DNA position 90, C replaced by G.
Protein change: p.Asp30Glu; replaces aspartic acid 30 with glutamic acid.
Molecular consequence: missense variant.
Genome position (GRCh38, 1-based): chr16:8,801,822, C>G. VCF-style: chr16-8801822-C-G. GRCh37 (hg19) VCF-style: chr16-8895679-C-G.
Other names: short protein forms D30E.
Identifiers: ClinVar variation 285859 (VCV000285859.28), dbSNP rs201556985, ClinGen allele CA7893883.

ClinVar aggregate classification (germline): Conflicting classifications of pathogenicity. Review status: criteria provided, conflicting classifications (1 of 4 stars). 7 submissions from 7 submitters: Uncertain significance (2); Benign (1); Likely benign (2). 2 of the submissions do not count toward it. Last evaluated 2026-02-04.

Conditions:
PMM2-congenital disorder of glycosylation. Also called: JAEKEN SYNDROME; PMM2-CDG; Congenital disorder of glycosylation, type Ia; PHOSPHOMANNOMUTASE 2 DEFICIENCY; CDG Ia; CARBOHYDRATE-DEFICIENT GLYCOPROTEIN SYNDROME, TYPE Ia. Identifiers: Orphanet 79318, MedGen C0349653, MONDO:0008907, OMIM 212065.
PMM2-related disorder. Also called: PMM2-related condition.

Allele frequency attached by ClinVar (database versions not stated): TOPMed 0.00010; gnomAD 0.00019 and 0.00025; 1000 Genomes Project 0.00060; gnomAD exomes 0.00060; 1000 Genomes Project 30x 0.00062; ExAC 0.00074; ESP Exome Variant Server 0.00008.
gnomAD v4.1: 612 of 1,610,104 alleles (0.038%); highest among the groups gnomAD compares: South Asian, 0.37%; 8 homozygotes.

Submissions (7):

Labcorp Genetics (formerly Invitae), Labcorp
Classification: Benign for PMM2-congenital disorder of glycosylation. Last evaluated: 2026-02-04. Review status: criteria provided, single submitter. Criteria: Invitae Variant Classification Sherloc (09022015). Collection method: clinical testing. Allele origin: germline.

Blueprint Genetics
Classification: Likely benign. Last evaluated: 2024-01-10. Review status: criteria provided, single submitter. Criteria: ACMG Guidelines, 2015. Collection method: clinical testing. Allele origin: germline.

Illumina Laboratory Services, Illumina
Classification: Uncertain significance for PMM2-congenital disorder of glycosylation. Last evaluated: 2018-01-12. Review status: criteria provided, single submitter. Criteria: ICSL Variant Classification Criteria 13 December 2019. Collection method: clinical testing. Allele origin: germline.

GeneDx
Classification: Likely benign. Last evaluated: 2017-07-10. Review status: criteria provided, single submitter. Criteria: GeneDx Variant Classification (06012015). Collection method: clinical testing. Allele origin: germline. Affected: yes.
Comment: This variant is considered likely benign or benign based on one or more of the following criteria: it is a conservative change, it occurs at a poorly conserved position in the protein, it is predicted to be benign by multiple in silico algorithms, and/or has population frequency not consistent with disease.

Eurofins Ntd Llc (ga)
Classification: Uncertain significance. Last evaluated: 2016-01-29. Review status: criteria provided, single submitter. Criteria: EGL Classification Definitions 2015. Collection method: clinical testing. Allele origin: germline. Observed: 1 variant allele, 1 heterozygote.

PreventionGenetics, part of Exact Sciences
Classification: Likely benign for PMM2-related condition. Last evaluated: 2023-06-12. Review status: no assertion criteria provided. Collection method: clinical testing. Allele origin: germline. Not counted in ClinVar's aggregate classification.
Comment: This variant is classified as likely benign based on ACMG/AMP sequence variant interpretation guidelines (Richards et al. 2015 PMID: 25741868, with internal and published modifications).

Natera, Inc.
Classification: Likely benign for Congenital disorder of glycosylation type 1a. Last evaluated: 2020-01-23. Review status: no assertion criteria provided. Collection method: clinical testing. Allele origin: germline. Not counted in ClinVar's aggregate classification.